The following is an entry in ClinVar:

ClinVar aggregate classification (germline): Uncertain significance (1 of 4 stars; one submission).

Submission:

CeGaT Center for Human Genetics Tuebingen
Classification: Uncertain significance. Last evaluated: 2026-03-01. Review status: criteria provided, single submitter. Criteria: CeGaT Center For Human Genetics Tuebingen Variant Classification Criteria Version 2. Collection method: clinical testing. Allele origin: germline. Affected: yes. Observed: 1 variant allele.
Comment: ZMYM2: PM2, BP4

NM_197968.4(ZMYM2):c.2236G>A (p.Val746Met)

Gene: ZMYM2 (zinc finger MYM-type containing 2; plus strand). Cytogenetic location: 13q12.11.
Variant type: single nucleotide variant.
Coding change: c.2236G>A on transcript NM_197968.4 (MANE Select); coding-DNA position 2236, G replaced by A.
Protein change: p.Val746Met; replaces valine 746 with methionine.
Molecular consequence: missense variant. On other transcripts: non-coding transcript variant (1).
Genome position (GRCh38, 1-based): chr13:20,036,853, G>A. VCF-style: chr13-20036853-G-A. GRCh37 (hg19) VCF-style: chr13-20610993-G-A.
Other names: c.2236G>A, p.Val746Met (NM_001190965.4, NM_001353157.2, NM_001353159.2 and 5 more transcripts); c.2041G>A, p.Val681Met (NM_001353161.3); c.1975G>A, p.Val659Met (NM_001353163.2); short protein forms V659M, V681M, V746M.
Identifiers: ClinVar variation 4873408 (VCV004873408.2).
Genomic context (GRCh38, chr13:20,036,853, plus strand): 5'-ACTTGCAACTATTGTTCTCAGCTATGTAAGAAGGGAGCAACTAAAGAACTCGATGGTGTT[G>A]TGAGAGATTTCTGCAGTGAAGATTGCTGTAAAAAATTTCAGGATTGGTACTACAAGGCGA-3'
Protein context (NP_932072.1, residues 736-756): KGATKELDGV[Val746Met]RDFCSEDCCK